The following is an entry in ClinVar:

NM_002098.6(GUCA1B):c.475+8G>A

Gene: GUCA1B (guanylate cyclase activator 1B; minus strand). Cytogenetic location: 6p21.1.
Variant type: single nucleotide variant.
Coding change: c.475+8G>A on transcript NM_002098.6 (MANE Select); 8 bases into the intron after coding-DNA position 475, G replaced by A.
Molecular consequence: intron variant.
Genome position (GRCh38, 1-based): chr6:42,185,672, C>T on the plus strand (G>A on the coding strand, the complement: GUCA1B is on the minus strand). VCF-style: chr6-42185672-C-T. GRCh37 (hg19) VCF-style: chr6-42153410-C-T.
Identifiers: ClinVar variation 356733 (VCV000356733.13), dbSNP rs114773899, ClinGen allele CA3805544.

ClinVar aggregate classification (germline): Benign. Review status: criteria provided, multiple submitters, no conflicts (2 of 4 stars). 2 submissions from 2 submitters: Benign (2). Last evaluated 2026-02-01.

Conditions:
Retinitis pigmentosa (RP). Identifiers: Orphanet 791, MedGen C0035334, MeSH D012174, MONDO:0019200, OMIM 268000. Inheritance: Autosomal dominant, autosomal recessive and X linked inheritance.

Allele frequency attached by ClinVar (database versions not stated): 1000 Genomes Project 30x 0.00968; 1000 Genomes Project 0.01058; TOPMed 0.01747; ESP Exome Variant Server 0.01999; ExAC 0.02124; gnomAD exomes 0.02168 and 0.02588; gnomAD 0.02191 and 0.02301.

Submissions (2):

Labcorp Genetics (formerly Invitae), Labcorp
Classification: Benign. Last evaluated: 2026-02-01. Review status: criteria provided, single submitter. Criteria: Invitae Variant Classification Sherloc (09022015). Collection method: clinical testing. Allele origin: germline.

Illumina Laboratory Services, Illumina
Classification: Benign for Retinitis pigmentosa. Last evaluated: 2018-01-13. Review status: criteria provided, single submitter. Criteria: ICSL Variant Classification Criteria 13 December 2019. Collection method: clinical testing. Allele origin: germline.
Comment: This variant was observed in the ICSL laboratory as part of a predisposition screen in an ostensibly healthy population. It had not been previously curated by ICSL or reported in the Human Gene Mutation Database (HGMD: prior to June 1st, 2018), and was therefore a candidate for classification through an automated scoring system. Utilizing variant allele frequency, disease prevalence and penetrance estimates, and inheritance mode, an automated score was calculated to assess if this variant is too frequent to cause the disease. Based on the score and internal cut-off values, a variant classified as benign is not then subjected to further curation. The score for this variant resulted in a classification of benign for this disease.